The following is an entry in ClinVar:

ClinVar aggregate classification (germline): Uncertain significance. Review status: criteria provided, multiple submitters, no conflicts (2 of 4 stars). 2 submissions from 2 submitters: Uncertain significance (2). Last evaluated 2024-12-16.

Conditions:
Inborn genetic diseases. Identifiers: MedGen C0950123, MeSH D030342.

Allele frequency attached by ClinVar (database versions not stated): gnomAD exomes below 0.00001; ExAC 0.00001; gnomAD 0.00003; TOPMed 0.00008.
gnomAD v4.1: 7 of 1,613,840 alleles (0.00043%); highest among the groups gnomAD compares: Admixed American, 0.0083%; no homozygotes.

Submissions (3):

Ambry Genetics
Classification: Uncertain significance for Inborn genetic diseases. Last evaluated: 2024-12-16. Review status: criteria provided, single submitter. Criteria: Ambry Variant Classification Scheme 2023. Collection method: clinical testing. Allele origin: germline.

Labcorp Genetics (formerly Invitae), Labcorp
Classification: Uncertain significance. Last evaluated: 2022-06-28. Review status: criteria provided, single submitter. Criteria: Invitae Variant Classification Sherloc (09022015). Collection method: clinical testing. Allele origin: germline.
Comment: This sequence change replaces glycine, which is neutral and non-polar, with valine, which is neutral and non-polar, at codon 583 of the DMXL2 protein (p.Gly583Val). This variant is present in population databases (rs769142765, gnomAD 0.006%). This variant has not been reported in the literature in individuals affected with DMXL2-related conditions. Algorithms developed to predict the effect of missense changes on protein structure and function output the following: SIFT: "Tolerated"; PolyPhen-2: "Benign"; Align-GVGD: "Class C0". The valine amino acid residue is found in multiple mammalian species, which suggests that this missense change does not adversely affect protein function. Algorithms developed to predict the effect of sequence changes on RNA splicing suggest that this variant may create or strengthen a splice site. In summary, the available evidence is currently insufficient to determine the role of this variant in disease. Therefore, it has been classified as a Variant of Uncertain Significance.

Dr. Peter K. Rogan Lab, Western University
No classification provided (evidence only). Condition: Melanoma. Review status: no classification provided. Collection method: in vitro. Allele origin: not applicable. Functional consequence: retained intron. Not counted in ClinVar's aggregate classification.

NM_001378457.1(DMXL2):c.1748G>T (p.Gly583Val)

Gene: DMXL2 (Dmx like 2; minus strand). Cytogenetic location: 15q21.2.
Variant type: single nucleotide variant.
Coding change: c.1748G>T on transcript NM_001378457.1 (MANE Select); coding-DNA position 1748, G replaced by T.
Protein change: p.Gly583Val; replaces glycine 583 with valine.
Molecular consequence: missense variant. On other transcripts: non-coding transcript variant (2).
Genome position (GRCh38, 1-based): chr15:51,536,732, C>A on the plus strand (G>T on the coding strand, the complement: DMXL2 is on the minus strand). VCF-style: chr15-51536732-C-A. GRCh37 (hg19) VCF-style: chr15-51828929-C-A.
Other names: c.1748G>T, p.Gly583Val (NM_001174116.3, NM_001174117.3, NM_001378458.1 and 6 more transcripts); c.1748G>T (NM_001174116.1); c.1508G>T, p.Gly503Val (NM_001378464.1); short protein forms G503V, G583V.
Identifiers: ClinVar variation 2179267 (VCV002179267.3), dbSNP rs769142765, ClinGen allele CA7562513.